The following is an entry in ClinVar:

ClinVar aggregate classification (germline): Likely pathogenic, low penetrance (0 of 4 stars; one submission).

Conditions:
Tip-toe gait. Also called: Toe walking. Identifiers: MedGen C0427144, HP:0030051.

Submission:

Practice for Gait Abnormalities, David Pomarino, Competency Network Toe Walking C/o Practice Pomarino
Classification: Likely pathogenic, low penetrance for Tip-toe gait. Review status: no assertion criteria provided. Collection method: clinical testing. Allele origin: germline. Affected: yes.
Comment: Gait disorder

Literature cited by the submitters: PubMed 37091313.

NM_000051.4(ATM):c.1444A>T (p.Lys482Ter)

Gene: ATM (ATM serine/threonine kinase; plus strand). Cytogenetic location: 11q22.3.
Variant type: single nucleotide variant.
Coding change: c.1444A>T on transcript NM_000051.4 (MANE Select); coding-DNA position 1444, A replaced by T.
Protein change: p.Lys482Ter; replaces lysine 482 with a stop codon.
Molecular consequence: nonsense.
Genome position (GRCh38, 1-based): chr11:108,250,909, A>T. VCF-style: chr11-108250909-A-T. GRCh37 (hg19) VCF-style: chr11-108121636-A-T.
Other names: c.1444A>T, p.Lys482Ter (NM_001351834.2); short protein forms K482*.
Identifiers: ClinVar variation 1679816 (VCV001679816.3), dbSNP rs202173660, ClinGen allele CA382534088.
Genomic context (GRCh38, chr11:108,250,909, plus strand): 5'-GTTGCATTGTGTCAAGACAAGAGGTCAAACCTAGAAAGCTCACAAAAGTCAGATTTATTA[A>T]AACTCTGGAATAAAATTTGGTGTATTACCTTTCGTGGTATAAGTTCTGAGCAAATACAAG-3'